The following is an entry in ClinVar:

ClinVar aggregate classification (germline): Uncertain significance. Review status: criteria provided, multiple submitters, no conflicts (2 of 4 stars). 6 submissions from 6 submitters: Uncertain significance (6). Last evaluated 2025-10-02.

Conditions:
Epidermolysis bullosa simplex 5C, with pyloric atresia (EBS5C). Also called: PLEC-Related Epidermolysis Bullosa with Pyloric Atresia; Epidermolysis bullosa simplex with pyloric atresia; PLEC1-Related Epidermolysis Bullosa with Pyloric Atresia. Identifiers: Orphanet 158684, MedGen C2677349, MONDO:0012807, OMIM 612138.
Epidermolysis bullosa simplex with nail dystrophy (EBS5D). Identifiers: MedGen C4225309, MONDO:0014661, OMIM 616487.
Epidermolysis bullosa simplex, Ogna type (EBS5A). Also called: Pidermolysis bullosa simplex 5A, Ogna type; EPIDERMOLYSIS BULLOSA SIMPLEX 5A, OGNA TYPE. Identifiers: Orphanet 79401, MedGen C0432317, MONDO:0007555, OMIM 131950.
Autosomal recessive limb-girdle muscular dystrophy type 2Q (LGMDR17). Also called: MUSCULAR DYSTROPHY, LIMB-GIRDLE, AUTOSOMAL RECESSIVE 17. Identifiers: Orphanet 254361, MedGen C3150989, MONDO:0013390, OMIM 613723.
Epidermolysis bullosa simplex 5B, with muscular dystrophy (EBS5B). Also called: EPIDERMOLYSIS BULLOSA SIMPLEX AND LIMB-GIRDLE MUSCULAR DYSTROPHY; Epidermolysis bullosa simplex with muscular dystrophy. Identifiers: Orphanet 257, MedGen C2931072, MONDO:0009181, OMIM 226670.
Inborn genetic diseases. Identifiers: MedGen C0950123, MeSH D030342.

Allele frequency attached by ClinVar (database versions not stated): TOPMed 0.00002; gnomAD 0.00003; gnomAD exomes 0.00004; ExAC 0.00006.
gnomAD v4.1: 59 of 1,542,424 alleles (0.0038%); highest among the groups gnomAD compares: South Asian, 0.0082%; no homozygotes.

Submissions (6):

Labcorp Genetics (formerly Invitae), Labcorp
Classification: Uncertain significance for Autosomal recessive limb-girdle muscular dystrophy type 2Q; Epidermolysis bullosa simplex, Ogna type; Epidermolysis bullosa simplex with nail dystrophy; Epidermolysis bullosa simplex 5C, with pyloric atresia; Epidermolysis bullosa simplex 5B, with muscular dystrophy. Last evaluated: 2025-10-02. Review status: criteria provided, single submitter. Criteria: Invitae Variant Classification Sherloc (09022015). Collection method: clinical testing. Allele origin: germline.
Comment: This sequence change replaces arginine, which is basic and polar, with cysteine, which is neutral and slightly polar, at codon 1651 of the PLEC protein (p.Arg1651Cys). This variant is present in population databases (rs782663079, gnomAD 0.02%). This variant has not been reported in the literature in individuals affected with PLEC-related conditions. ClinVar contains an entry for this variant (Variation ID: 499964). Invitae Evidence Modeling of protein sequence and biophysical properties (such as structural, functional, and spatial information, amino acid conservation, physicochemical variation, residue mobility, and thermodynamic stability) indicates that this missense variant is not expected to disrupt PLEC protein function with a negative predictive value of 80%. In summary, the available evidence is currently insufficient to determine the role of this variant in disease. Therefore, it has been classified as a Variant of Uncertain Significance.

Ambry Genetics
Classification: Uncertain significance for Inborn genetic diseases. Last evaluated: 2025-07-15. Review status: criteria provided, single submitter. Criteria: Ambry Variant Classification Scheme 2023. Collection method: clinical testing. Allele origin: germline.

Women's Health and Genetics/Laboratory Corporation of America, LabCorp
Classification: Uncertain significance. Last evaluated: 2024-03-26. Review status: criteria provided, single submitter. Criteria: LabCorp Variant Classification Summary - May 2015. Collection method: clinical testing. Allele origin: germline.
Comment: Variant summary: PLEC1 c.4951C>T (p.Arg1651Cys) results in a non-conservative amino acid change in the encoded protein sequence. Five of five in-silico tools predict a damaging effect of the variant on protein function. The variant allele was found at a frequency of 4.1e-05 in 169216 control chromosomes (gnomAD). The available data on variant occurrences in the general population are insufficient to allow any conclusion about variant significance. To our knowledge, no occurrence of c.4951C>T in individuals affected with PLEC1-Related Disorders and no experimental evidence demonstrating its impact on protein function have been reported. ClinVar contains an entry for this variant (Variation ID: 499964). Based on the evidence outlined above, the variant was classified as uncertain significance.

GeneDx
Classification: Uncertain significance. Last evaluated: 2023-12-21. Review status: criteria provided, single submitter. Criteria: GeneDx Variant Classification Process June 2021. Collection method: clinical testing. Allele origin: germline. Affected: yes.
Comment: Identified as a de novo variant in a patient with autism from a large cohort study; however, de novo variants in other genes were also identified in this individual (PMID: 35982159); In silico analysis supports that this missense variant has a deleterious effect on protein structure/function; This variant is associated with the following publications: (PMID: 35982159)

Blueprint Genetics
Classification: Uncertain significance. Last evaluated: 2019-09-30. Review status: criteria provided, single submitter. Criteria: ACMG Guidelines, 2015. Collection method: clinical testing. Allele origin: germline.

Eurofins Ntd Llc (ga)
Classification: Uncertain significance. Last evaluated: 2018-06-13. Review status: criteria provided, single submitter. Criteria: EGL ClinVar v180209 classification definitions. Collection method: clinical testing. Allele origin: germline. Observed: 2 variant alleles, 2 heterozygotes.

NM_201384.3(PLEC):c.4870C>T (p.Arg1624Cys)

Gene: PLEC (plectin; minus strand). Cytogenetic location: 8q24.3.
Variant type: single nucleotide variant.
Coding change: c.4870C>T on transcript NM_201384.3 (MANE Select); coding-DNA position 4870, C replaced by T.
Protein change: p.Arg1624Cys; replaces arginine 1624 with cysteine.
Molecular consequence: missense variant.
Genome position (GRCh38, 1-based): chr8:143,925,059, G>A on the plus strand (C>T on the coding strand, the complement: PLEC is on the minus strand). VCF-style: chr8-143925059-G-A. GRCh37 (hg19) VCF-style: chr8-144999227-G-A.
Other names: c.4951C>T (NM_000445.3); c.4951C>T, p.Arg1651Cys (NM_000445.5); c.4828C>T, p.Arg1610Cys (NM_201378.4); c.4804C>T, p.Arg1602Cys (NM_201379.3); c.5281C>T, p.Arg1761Cys (NM_201380.4); c.4774C>T, p.Arg1592Cys (NM_201381.3); c.4870C>T, p.Arg1624Cys (NM_201382.4); c.4882C>T, p.Arg1628Cys (NM_201383.3); short protein forms R1592C, R1602C, R1610C, R1624C, R1628C, R1651C, R1761C.
Identifiers: ClinVar variation 499964 (VCV000499964.16), dbSNP rs782663079, ClinGen allele CA4926515.